The following is an entry in ClinVar:

ClinVar aggregate classification (germline): Uncertain significance (1 of 4 stars; one submission).

Allele frequency attached by ClinVar (database versions not stated): gnomAD exomes below 0.00001.

Submission:

Labcorp Genetics (formerly Invitae), Labcorp
Classification: Uncertain significance. Last evaluated: 2021-10-09. Review status: criteria provided, single submitter. Criteria: Invitae Variant Classification Sherloc (09022015). Collection method: clinical testing. Allele origin: germline.
Comment: In summary, the available evidence is currently insufficient to determine the role of this variant in disease. Therefore, it has been classified as a Variant of Uncertain Significance. Algorithms developed to predict the effect of missense changes on protein structure and function are either unavailable or do not agree on the potential impact of this missense change (SIFT: "Deleterious"; PolyPhen-2: "Possibly Damaging"; Align-GVGD: "Class C0"). This variant has not been reported in the literature in individuals affected with INPPL1-related conditions. This variant is not present in population databases (ExAC no frequency). This sequence change replaces proline with serine at codon 1055 of the INPPL1 protein (p.Pro1055Ser). The proline residue is moderately conserved and there is a moderate physicochemical difference between proline and serine.

NM_001567.4(INPPL1):c.3163C>T (p.Pro1055Ser)

Gene: INPPL1 (inositol polyphosphate phosphatase like 1; plus strand). Cytogenetic location: 11q13.4.
Variant type: single nucleotide variant.
Coding change: c.3163C>T on transcript NM_001567.4 (MANE Select); coding-DNA position 3163, C replaced by T.
Protein change: p.Pro1055Ser; replaces proline 1055 with serine.
Molecular consequence: missense variant.
Genome position (GRCh38, 1-based): chr11:72,237,407, C>T. VCF-style: chr11-72237407-C-T. GRCh37 (hg19) VCF-style: chr11-71948451-C-T.
Other names: short protein forms P1055S.
Identifiers: ClinVar variation 1466214 (VCV001466214.6), dbSNP rs558546026, ClinGen allele CA224381594.